The following is an entry in ClinVar:

ClinVar aggregate classification (germline): Uncertain significance (1 of 4 stars; one submission).

Conditions:
Neurodevelopmental disorder with or without hyperkinetic movements and seizures, autosomal dominant. Also called: Intellectual disability, autosomal dominant 8. Identifiers: MedGen C3280282, MONDO:0013655, OMIM 614254.

Submission:

Labcorp Genetics (formerly Invitae), Labcorp
Classification: Uncertain significance for Neurodevelopmental disorder with or without hyperkinetic movements and seizures, autosomal dominant. Last evaluated: 2024-10-22. Review status: criteria provided, single submitter. Criteria: Invitae Variant Classification Sherloc (09022015). Collection method: clinical testing. Allele origin: germline.
Comment: This sequence change replaces leucine, which is neutral and non-polar, with valine, which is neutral and non-polar, at codon 207 of the GRIN1 protein (p.Leu207Val). This variant is not present in population databases (gnomAD no frequency). This variant has not been reported in the literature in individuals affected with GRIN1-related conditions. Invitae Evidence Modeling of protein sequence and biophysical properties (such as structural, functional, and spatial information, amino acid conservation, physicochemical variation, residue mobility, and thermodynamic stability) indicates that this missense variant is not expected to disrupt GRIN1 protein function with a negative predictive value of 95%. In summary, the available evidence is currently insufficient to determine the role of this variant in disease. Therefore, it has been classified as a Variant of Uncertain Significance.

NM_007327.4(GRIN1):c.619C>G (p.Leu207Val)

Gene: GRIN1 (glutamate ionotropic receptor NMDA type subunit 1; plus strand). Cytogenetic location: 9q34.3.
Variant type: single nucleotide variant.
Coding change: c.619C>G on transcript NM_007327.4 (MANE Select); coding-DNA position 619, C replaced by G.
Protein change: p.Leu207Val; replaces leucine 207 with valine.
Molecular consequence: missense variant.
Genome position (GRCh38, 1-based): chr9:137,149,057, C>G. VCF-style: chr9-137149057-C-G. GRCh37 (hg19) VCF-style: chr9-140043509-C-G.
Other names: c.619C>G, p.Leu207Val (NM_000832.7, NM_021569.4); c.682C>G, p.Leu228Val (NM_001185090.2, NM_001185091.2); short protein forms L207V, L228V.
Identifiers: ClinVar variation 2842516 (VCV002842516.3), dbSNP rs922642160, ClinGen allele CA201733656.